The following is an entry in ClinVar:

ClinVar aggregate classification (germline): Uncertain significance. Review status: reviewed by expert panel (3 of 4 stars). 2 submissions from 2 submitters: Uncertain significance (1). 1 of the submissions does not count toward it. Last evaluated 2024-05-01.

Conditions:
Severe combined immunodeficiency, autosomal recessive, T cell-negative, B cell-negative, NK cell-negative, due to adenosine deaminase deficiency. Also called: ADA-SCID; ADA deficiency; Adenosine deaminase deficient severe combined immunodeficiency; Severe combined immunodeficiency due to ADA deficiency; Adenosine Deaminase Deficiency; SCID DUE TO ADA DEFICIENCY. Identifiers: Orphanet 277, MedGen C0392607, MONDO:0007064, OMIM 102700.

Allele frequency attached by ClinVar (database versions not stated): TOPMed below 0.00001; gnomAD 0.00001; gnomAD exomes 0.00001.
gnomAD v4.1: 9 of 1,613,924 alleles (0.00056%); highest among the groups gnomAD compares: South Asian, 0.0066%; no homozygotes.

Submissions (2):

ClinGen Severe Combined Immunodeficiency Variant Curation Expert Panel, ClinGen
Classification: Uncertain significance for Severe combined immunodeficiency, autosomal recessive, T cell-negative, B cell-negative, NK cell-negative, due to adenosine deaminase deficiency. Last evaluated: 2024-05-01. Review status: reviewed by expert panel. Criteria: ClinGen SCID ACMG Specifications ADA V1.0.0. Collection method: curation. Allele origin: germline. Inheritance: Autosomal recessive inheritance.
Comment: NM_000022.4 :c.539T>C is a missense variant predicted to cause substitution of Isoleucine by Threonine at amino acid 180 (p.Ile180Thr).The filtering allele frequency (the upper threshold of the 95% CI of 6/91086) of the c.539T>C variant in ADA is 0.00002995 for South Asian chromosomes by gnomAD v4, which is lower than the ClinGen SCID VCEP threshold (<0.0001742) for PM2_Supporting, and therefore meets this criterion (PM2_Supporting). There are no publications for this variant in the literature. Based on insufficient evidence, this variant may be classified as Variant of uncertain significance for autosomal recessive SCID based on ACMG/AMP criteria applied, as specified by the ClinGen SCID VCEP(specification version 1.0): PM2_supporting.

Women's Health and Genetics/Laboratory Corporation of America, LabCorp
Classification: Uncertain significance. Last evaluated: 2022-05-03. Review status: criteria provided, single submitter. Criteria: LabCorp Variant Classification Summary - May 2015. Collection method: clinical testing. Allele origin: germline. Not counted in ClinVar's aggregate classification.
Comment: Variant summary: ADA c.539T>C (p.Ile180Thr) results in a non-conservative amino acid change located in the Adenosine deaminase domain (IPR001365) of the encoded protein sequence. Five of five in-silico tools predict a damaging effect of the variant on protein function. The variant was absent in 251352 control chromosomes. The available data on variant occurrences in the general population are insufficient to allow any conclusion about variant significance. To our knowledge, no occurrence of c.539T>C in individuals affected with Severe Combined Immunodeficiency and no experimental evidence demonstrating its impact on protein function have been reported. No clinical diagnostic laboratories have submitted clinical-significance assessments for this variant to ClinVar after 2014. Based on the evidence outlined above, the variant was classified as uncertain significance.

NM_000022.4(ADA):c.539T>C (p.Ile180Thr)

Gene: ADA (adenosine deaminase; minus strand). Cytogenetic location: 20q13.12.
Variant type: single nucleotide variant.
Coding change: c.539T>C on transcript NM_000022.4 (MANE Select); coding-DNA position 539, T replaced by C.
Protein change: p.Ile180Thr; replaces isoleucine 180 with threonine.
Molecular consequence: missense variant. On other transcripts: non-coding transcript variant (1).
Genome position (GRCh38, 1-based): chr20:44,624,269, A>G on the plus strand (T>C on the coding strand, the complement: ADA is on the minus strand). VCF-style: chr20-44624269-A-G. GRCh37 (hg19) VCF-style: chr20-43252910-A-G.
Other names: NM_000022.4(ADA):c.539T>C; p.Ile180Thr; c.134T>C, p.Ile45Thr (NM_001322050.2); c.539T>C, p.Ile180Thr (NM_001322051.2); short protein forms I180T, I45T.
Identifiers: ClinVar variation 1696220 (VCV001696220.1), dbSNP rs1421855638, ClinGen allele CA409120875.